The following is an entry in ClinVar:

ClinVar aggregate classification (germline): Uncertain significance. Review status: criteria provided, multiple submitters, no conflicts (2 of 4 stars). 2 submissions from 2 submitters: Uncertain significance (2). Last evaluated 2025-07-09.

Conditions:
Leber congenital amaurosis 13 (LCA13). Identifiers: MedGen C2675186, MONDO:0012990, OMIM 612712.

gnomAD v4.1: 5 of 1,610,532 alleles (0.00031%); highest among the groups gnomAD compares: Non-Finnish European, 0.00042%; no homozygotes.

Submissions (2):

Labcorp Genetics (formerly Invitae), Labcorp
Classification: Uncertain significance for Leber congenital amaurosis 13. Last evaluated: 2025-07-09. Review status: criteria provided, single submitter. Criteria: Invitae Variant Classification Sherloc (09022015). Collection method: clinical testing. Allele origin: germline.
Comment: This sequence change replaces leucine, which is neutral and non-polar, with valine, which is neutral and non-polar, at codon 144 of the RDH12 protein (p.Leu144Val). This variant is present in population databases (rs377085347, gnomAD 0.003%). This missense change has been observed in individual(s) with primary photoreceptor degeneration (PMID: 18779497). Invitae Evidence Modeling of protein sequence and biophysical properties (such as structural, functional, and spatial information, amino acid conservation, physicochemical variation, residue mobility, and thermodynamic stability) indicates that this missense variant is not expected to disrupt RDH12 protein function with a negative predictive value of 80%. In summary, the available evidence is currently insufficient to determine the role of this variant in disease. Therefore, it has been classified as a Variant of Uncertain Significance.

Blueprint Genetics
Classification: Uncertain significance. Last evaluated: 2024-05-27. Review status: criteria provided, single submitter. Criteria: ACMG Guidelines, 2015. Collection method: clinical testing. Allele origin: germline.

Literature cited by the submitters: PubMed 18779497 (cited by Labcorp Genetics (formerly Invitae), Labcorp).

NM_152443.3(RDH12):c.430C>G (p.Leu144Val)

Genes: GPHN (gephyrin; plus strand), RDH12 (retinol dehydrogenase 12; plus strand). Cytogenetic location: 14q24.1.
Variant type: single nucleotide variant.
Coding change: c.430C>G on transcript NM_152443.3 (MANE Select); coding-DNA position 430, C replaced by G.
Protein change: p.Leu144Val; replaces leucine 144 with valine.
Molecular consequence: missense variant.
Genome position (GRCh38, 1-based): chr14:67,726,137, C>G. VCF-style: chr14-67726137-C-G. GRCh37 (hg19) VCF-style: chr14-68192854-C-G.
Other names: short protein forms L144V.
Identifiers: ClinVar variation 4737030 (VCV004737030.2).
Genomic context (GRCh38, chr14:67,726,137, plus strand): 5'-AACAATGCGGGAGTAATGATGTGTCCATATTCCAAGACAGCTGATGGCTTTGAAACCCAC[C>G]TGGGAGTCAACCACCTGGGTAAGTATCTTTGGGTGACTAAAAAATGAGGTACACCCACTA-3'
Protein context (NP_689656.2, residues 134-154): SKTADGFETH[Leu144Val]GVNHLGHFLL